The following is an entry in ClinVar:

ClinVar aggregate classification (germline): Benign (1 of 4 stars; one submission).

Conditions:
Cone-rod synaptic disorder, congenital nonprogressive. Also called: NIGHT BLINDNESS, CONGENITAL STATIONARY, INCOMPLETE, AUTOSOMAL RECESSIVE. Identifiers: Orphanet 215, MedGen C4041558, MONDO:0012490, OMIM 610427.

Allele frequency attached by ClinVar (database versions not stated): 1000 Genomes Project 0.28075; 1000 Genomes Project 30x 0.28592; gnomAD 0.33121 and 0.33447; TOPMed 0.34141; gnomAD exomes 0.44444.
gnomAD v4.1: 50,423 of 152,168 alleles (33%); highest among the groups gnomAD compares: Admixed American, 41%; 9,095 homozygotes.

Submission:

Illumina Laboratory Services, Illumina
Classification: Benign for Cone-rod synaptic disorder, congenital nonprogressive. Last evaluated: 2018-01-12. Review status: criteria provided, single submitter. Criteria: ICSL Variant Classification Criteria 13 December 2019. Collection method: clinical testing. Allele origin: germline.
Comment: This variant was observed in the ICSL laboratory as part of a predisposition screen in an ostensibly healthy population. It had not been previously curated by ICSL or reported in the Human Gene Mutation Database (HGMD: prior to June 1st, 2018), and was therefore a candidate for classification through an automated scoring system. Utilizing variant allele frequency, disease prevalence and penetrance estimates, and inheritance mode, an automated score was calculated to assess if this variant is too frequent to cause the disease. Based on the score and internal cut-off values, a variant classified as benign is not then subjected to further curation. The score for this variant resulted in a classification of benign for this disease.

NM_145200.5(CABP4):c.*876G>A

Gene: CABP4 (calcium binding protein 4; plus strand). Cytogenetic location: 11q13.2.
Variant type: single nucleotide variant.
Coding change: c.*876G>A on transcript NM_145200.5 (MANE Select); 876 bases downstream of the stop codon, G replaced by A.
Molecular consequence: 3 prime UTR variant. On other transcripts: non-coding transcript variant (1).
Genome position (GRCh38, 1-based): chr11:67,459,535, G>A. VCF-style: chr11-67459535-G-A. GRCh37 (hg19) VCF-style: chr11-67227006-G-A.
Other names: c.*876G>A (NM_001300895.3, NM_001300896.3, NM_001379183.1).
Identifiers: ClinVar variation 305671 (VCV000305671.5), dbSNP rs11601325, ClinGen allele CA10639858.